The following is an entry in ClinVar:

ClinVar aggregate classification (germline): Pathogenic. Review status: criteria provided, multiple submitters, no conflicts (2 of 4 stars). 9 submissions from 9 submitters: Pathogenic (9). Last evaluated 2024-01-04.

Conditions:
SDHB-related disorder. Also called: SDHB-related condition; SDHB-related disorders. Identifiers: MedGen CN239418.
Pheochromocytoma/paraganglioma syndrome 4. Also called: CAROTID BODY TUMORS AND MULTIPLE EXTRAADRENAL PHEOCHROMOCYTOMAS; PARAGANGLIOMA, FAMILIAL MALIGNANT; PARAGANGLIOMAS, HEREDITARY EXTRAADRENAL; PHEOCHROMOCYTOMA, FAMILIAL EXTRAADRENAL; Paragangliomas 4; SDHB-Related Hereditary Paraganglioma-Pheochromocytoma Syndrome (Paragangliomas 4). Identifiers: Orphanet 29072, MedGen C1861848, MONDO:0007273, OMIM 115310.
Pheochromocytoma. Also called: MAX-Related Hereditary Paraganglioma-Pheochromocytoma Syndrome. Identifiers: Orphanet 29072, MedGen C0031511, MONDO:0008233, OMIM 171300, HP:0002666.
Gastrointestinal stromal tumor. Also called: Gastrointestinal stromal tumor, somatic; Gastrointestinal stroma tumor. Identifiers: Orphanet 44890, MedGen C0238198, MeSH D046152, MONDO:0011719, OMIM 606764, HP:0100723.
Hereditary cancer-predisposing syndrome. Also called: Tumor predisposition; Hereditary neoplastic syndrome; Hereditary Cancer Syndrome; Neoplastic Syndromes, Hereditary. Identifiers: Orphanet 140162, MedGen C0027672, MeSH D009386, MONDO:0015356.

Submissions (9):

Labcorp Genetics (formerly Invitae), Labcorp
Classification: Pathogenic for Gastrointestinal stromal tumor; Pheochromocytoma/paraganglioma syndrome 4; Pheochromocytoma. Last evaluated: 2024-01-04. Review status: criteria provided, single submitter. Criteria: Invitae Variant Classification Sherloc (09022015). Collection method: clinical testing. Allele origin: germline.
Comment: This sequence change affects an acceptor splice site in intron 3 of the SDHB gene. It is expected to disrupt RNA splicing. Variants that disrupt the donor or acceptor splice site typically lead to a loss of protein function (PMID: 16199547), and loss-of-function variants in SDHB are known to be pathogenic (PMID: 19454582, 19802898). This variant is not present in population databases (gnomAD no frequency). Disruption of this splice site has been observed in individuals with pheochromocytoma and paraganglioma (PMID: 15328326, 17200167, 19454582; Invitae). ClinVar contains an entry for this variant (Variation ID: 420072). Algorithms developed to predict the effect of sequence changes on RNA splicing suggest that this variant may disrupt the consensus splice site. For these reasons, this variant has been classified as Pathogenic.

Ambry Genetics
Classification: Pathogenic for Hereditary cancer-predisposing syndrome. Last evaluated: 2023-09-28. Review status: criteria provided, single submitter. Criteria: Ambry Variant Classification Scheme 2023. Collection method: clinical testing. Allele origin: germline.
Comment: The c.287-2A>G intronic pathogenic mutation results from an A to G substitution two nucleotides upstream from coding exon 4 in the SDHB gene. This alteration has been identified in individuals diagnosed with paragangliomas and/or pheochromocytomas (Ambry internal data; Neumann HP et al. JAMA, 2004 Aug;292:943-51; Burnichon N et al. J. Clin. Endocrinol. Metab., 2009 Aug;94:2817-27; Buffet A et al. Horm. Metab. Res., 2012 May;44:359-66). Of note, this alteration is also known as c.421-2A>G in published literature. This nucleotide position is highly conserved in available vertebrate species. In silico splice site analysis predicts that this alteration will weaken the native splice acceptor site. In addition to the clinical data presented in the literature, alterations that disrupt the canonical splice site are expected to cause aberrant splicing, resulting in an abnormal protein or a transcript that is subject to nonsense-mediated mRNA decay. As such, this alteration is classified as a disease-causing mutation.

Myriad Genetics, Inc.
Classification: Pathogenic for Pheochromocytoma/paraganglioma syndrome 4. Last evaluated: 2023-09-20. Review status: criteria provided, single submitter. Criteria: Myriad Autosomal Dominant, Autosomal Recessive and X-Linked Classification Criteria (2023). Collection method: clinical testing. Allele origin: unknown.
Comment: This variant is considered pathogenic. This variant occurs within a consensus splice junction and is predicted to result in abnormal mRNA splicing of either an out-of-frame exon or an in-frame exon necessary for protein stability and/or normal function. This variant has been reported in multiple individuals with clinical features of gene-specific disease [PMID: 35460558, 34940133, 31492822, 22517557, 28179334, 31883676].

PreventionGenetics, part of Exact Sciences
Classification: Pathogenic for SDHB-related condition. Last evaluated: 2022-12-27. Review status: criteria provided, single submitter. Criteria: ACMG Guidelines, 2015. Collection method: clinical testing. Allele origin: germline.
Comment: The SDHB c.287-2A>G variant is predicted to disrupt the AG splice acceptor site and interfere with normal splicing. This variant was reported in an individual in a study of patients with a single pheochromocytoma and/or family history of hereditary paraganglioma (Burnichon et al. 2009. PubMed ID: 19454582). It was also reported in two individuals with nonfunctional head and neck paraganglioma (described as 421-2A/G in Table 1, Neumann et al 2004. PubMed ID: 15328326). This variant has not been reported in a large population database, indicating it is rare. It is interpreted as pathogenic in ClinVar by multiple independent submitters. Variants that disrupt consensus splice acceptor sites in SDHB are expected to be pathogenic. Taken together, this variant is interpreted as pathogenic.

CeGaT Center for Human Genetics Tuebingen
Classification: Pathogenic. Last evaluated: 2022-10-01. Review status: criteria provided, single submitter. Criteria: CeGaT Center For Human Genetics Tuebingen Variant Classification Criteria Version 2. Collection method: clinical testing. Allele origin: germline. Affected: yes. Observed: 3 variant alleles.
Comment: SDHB: PVS1, PM2

MGZ Medical Genetics Center
Classification: Pathogenic for Pheochromocytoma/paraganglioma syndrome 4. Last evaluated: 2021-07-27. Review status: criteria provided, single submitter. Criteria: ACMG Guidelines, 2015. Collection method: clinical testing. Allele origin: germline. Affected: yes. Observed: 1 variant allele.
Comment: ACMG criteria applied: PVS1, PM2_SUP, PP3

Institute of Medical Genetics and Applied Genomics, University Hospital Tübingen
Classification: Pathogenic. Last evaluated: 2020-10-23. Review status: criteria provided, single submitter. Criteria: ACMG Guidelines, 2015. Collection method: clinical testing. Allele origin: germline. Inheritance: Unknown mechanism. Affected: yes.

Centre for Mendelian Genomics, University Medical Centre Ljubljana
Classification: Pathogenic for Pheochromocytoma/paraganglioma syndrome 4. Last evaluated: 2018-10-30. Review status: criteria provided, single submitter. Criteria: ACMG Guidelines, 2015. Collection method: clinical testing. Allele origin: unknown. Affected: yes.
Comment: This variant was classified as: Pathogenic. The following ACMG criteria were applied in classifying this variant: PVS1,PM2,PP3,PP5.

GeneDx
Classification: Pathogenic. Last evaluated: 2017-03-17. Review status: criteria provided, single submitter. Criteria: GeneDx Variant Classification (06012015). Collection method: clinical testing. Allele origin: germline. Affected: yes.
Comment: The c.287-2A>G splice site variant in the SDHB gene has been previously reported in multiple individuals with paragangliomas (for examples, see Neumann et al., 2004; Burnichon et al., 2009). This variant destroys the canonical splice acceptor site in intron 3, and is expected to cause abnormal gene splicing. Furthermore, another variant at this splice site (c.287-1G>C) has been reported in association with paraganglioma and pheochromocytoma, supporting the functional importance of this region of the protein (Timmers et al., 2007). Based on currently available evidence, we consider c.287-2A>G to be pathogenic..

Literature cited by the submitters: PubMed 16199547 (cited by Labcorp Genetics (formerly Invitae), Labcorp); PubMed 19454582 (cited by Labcorp Genetics (formerly Invitae), Labcorp and Ambry Genetics); PubMed 19802898 (cited by Labcorp Genetics (formerly Invitae), Labcorp); PubMed 15328326 (cited by Labcorp Genetics (formerly Invitae), Labcorp and Ambry Genetics); PubMed 17200167 (cited by Labcorp Genetics (formerly Invitae), Labcorp); PubMed 22517557 (cited by Ambry Genetics and Myriad Genetics, Inc.); PubMed 31492822 (cited by Ambry Genetics and Myriad Genetics, Inc.); PubMed 35460558 (cited by Myriad Genetics, Inc.); PubMed 34940133 (cited by Myriad Genetics, Inc.); PubMed 28179334 (cited by Myriad Genetics, Inc.); PubMed 31883676 (cited by Myriad Genetics, Inc.).

NM_003000.3(SDHB):c.287-2A>G

Gene: SDHB (succinate dehydrogenase complex iron sulfur subunit B; minus strand). Cytogenetic location: 1p36.13.
Variant type: single nucleotide variant.
Coding change: c.287-2A>G on transcript NM_003000.3 (MANE Select); the canonical splice acceptor site of the intron before coding-DNA position 287, A replaced by G.
Molecular consequence: splice acceptor variant.
Genome position (GRCh38, 1-based): chr1:17,028,738, T>C on the plus strand (A>G on the coding strand, the complement: SDHB is on the minus strand). VCF-style: chr1-17028738-T-C. GRCh37 (hg19) VCF-style: chr1-17355233-T-C.
Other names: c.287-2A>G (NM_001407361.1).
Identifiers: ClinVar variation 420072 (VCV000420072.59), dbSNP rs1064794270, ClinGen allele CA16617023.